The following is an entry in ClinVar:

ClinVar aggregate classification (germline): Uncertain significance (1 of 4 stars; one submission).

Allele frequency attached by ClinVar (database versions not stated): gnomAD exomes below 0.00001.
gnomAD v4.1: 1 of 1,613,686 alleles (0.000062%); highest among the groups gnomAD compares: South Asian, 0.0011%; no homozygotes.

Submission:

Ambry Genetics
Classification: Uncertain significance. Last evaluated: 2022-08-22. Review status: criteria provided, single submitter. Criteria: Ambry Variant Classification Scheme 2023. Collection method: clinical testing. Allele origin: germline.
Comment: The p.A819V variant (also known as c.2456C>T), located in coding exon 15 of the POLQ gene, results from a C to T substitution at nucleotide position 2456. The alanine at codon 819 is replaced by valine, an amino acid with similar properties. This amino acid position is conserved. In addition, this alteration is predicted to be tolerated by in silico analysis. Since supporting evidence is limited at this time, the clinical significance of this alteration remains unclear.

NM_199420.4(POLQ):c.2456C>T (p.Ala819Val)

Gene: POLQ (DNA polymerase theta; minus strand). Cytogenetic location: 3q13.33.
Variant type: single nucleotide variant.
Coding change: c.2456C>T on transcript NM_199420.4 (MANE Select); coding-DNA position 2456, C replaced by T.
Protein change: p.Ala819Val; replaces alanine 819 with valine.
Molecular consequence: missense variant.
Genome position (GRCh38, 1-based): chr3:121,493,544, G>A on the plus strand (C>T on the coding strand, the complement: POLQ is on the minus strand). VCF-style: chr3-121493544-G-A. GRCh37 (hg19) VCF-style: chr3-121212391-G-A.
Other names: short protein forms A819V.
Identifiers: ClinVar variation 1791548 (VCV001791548.2), dbSNP rs2546790673, ClinGen allele CA354107545.
Genomic context (GRCh38, chr3:121,493,544, plus strand): 5'-AAAGGCACAGCATTTTTCAGAATCACCTCCACCTCCACAATATTTGCTCTAGCAAGGTCT[G>A]CCACAGTATGAAAGCCAGAAGCATAGAGAACCCTGGCTCTCTGAGCATTTAGTAAGGATA-3'
Protein context (NP_955452.3, residues 809-829): VLYASGFHTV[Ala819Val]DLARANIVEV